The following is an entry in ClinVar:

NM_014254.3(RXYLT1):c.664G>C (p.Val222Leu)

Gene: RXYLT1 (ribitol xylosyltransferase 1; plus strand). Cytogenetic location: 12q14.2.
Variant type: single nucleotide variant.
Coding change: c.664G>C on transcript NM_014254.3 (MANE Select); coding-DNA position 664, G replaced by C.
Protein change: p.Val222Leu; replaces valine 222 with leucine.
Molecular consequence: missense variant. On other transcripts: 5 prime UTR variant (1).
Genome position (GRCh38, 1-based): chr12:63,802,326, G>C. VCF-style: chr12-63802326-G-C. GRCh37 (hg19) VCF-style: chr12-64196106-G-C.
Other names: c.-117G>C (NM_001278237.2); short protein forms V222L.
Identifiers: ClinVar variation 3666525 (VCV003666525.1).

ClinVar aggregate classification (germline): Uncertain significance (1 of 4 stars; one submission).

gnomAD v4.1: 7 of 1,612,770 alleles (0.00043%); highest among the groups gnomAD compares: African/African-American, 0.0067%; no homozygotes.

Submission:

Labcorp Genetics (formerly Invitae), Labcorp
Classification: Uncertain significance. Last evaluated: 2024-12-12. Review status: criteria provided, single submitter. Criteria: Invitae Variant Classification Sherloc (09022015). Collection method: clinical testing. Allele origin: germline.
Comment: This sequence change replaces valine, which is neutral and non-polar, with leucine, which is neutral and non-polar, at codon 222 of the RXYLT1 protein (p.Val222Leu). This variant is present in population databases (rs370288545, gnomAD 0.003%). This variant has not been reported in the literature in individuals affected with RXYLT1-related conditions. Invitae Evidence Modeling of protein sequence and biophysical properties (such as structural, functional, and spatial information, amino acid conservation, physicochemical variation, residue mobility, and thermodynamic stability) indicates that this missense variant is not expected to disrupt RXYLT1 protein function with a negative predictive value of 80%. In summary, the available evidence is currently insufficient to determine the role of this variant in disease. Therefore, it has been classified as a Variant of Uncertain Significance.